The following is an entry in ClinVar:

NM_172362.3(KCNH1):c.1945T>C (p.Trp649Arg)

Gene: KCNH1 (potassium voltage-gated channel subfamily H member 1; minus strand). Cytogenetic location: 1q32.2.
Variant type: single nucleotide variant.
Coding change: c.1945T>C on transcript NM_172362.3 (MANE Select); coding-DNA position 1945, T replaced by C.
Protein change: p.Trp649Arg; replaces tryptophan 649 with arginine.
Molecular consequence: missense variant.
Genome position (GRCh38, 1-based): chr1:210,775,515, A>G on the plus strand (T>C on the coding strand, the complement: KCNH1 is on the minus strand). VCF-style: chr1-210775515-A-G. GRCh37 (hg19) VCF-style: chr1-210948857-A-G.
Other names: c.1864T>C, p.Trp622Arg (NM_002238.4); short protein forms W622R, W649R.
Identifiers: ClinVar variation 1721815 (VCV001721815.5), dbSNP rs1683843034, ClinGen allele CA344872242.

ClinVar aggregate classification (germline): Uncertain significance (1 of 4 stars; one submission).

Allele frequency attached by ClinVar (database versions not stated): gnomAD exomes below 0.00001; TOPMed 0.00001.
gnomAD v4.1: 1 of 1,614,006 alleles (0.000062%); highest among the groups gnomAD compares: Non-Finnish European, 0.000085%; no homozygotes.

Submission:

Labcorp Genetics (formerly Invitae), Labcorp
Classification: Uncertain significance. Last evaluated: 2022-10-18. Review status: criteria provided, single submitter. Criteria: Invitae Variant Classification Sherloc (09022015). Collection method: clinical testing. Allele origin: germline.
Comment: This variant has not been reported in the literature in individuals affected with KCNH1-related conditions. In summary, the available evidence is currently insufficient to determine the role of this variant in disease. Therefore, it has been classified as a Variant of Uncertain Significance. Algorithms developed to predict the effect of missense changes on protein structure and function (SIFT, PolyPhen-2, Align-GVGD) all suggest that this variant is likely to be disruptive. This variant is not present in population databases (gnomAD no frequency). This sequence change replaces tryptophan, which is neutral and slightly polar, with arginine, which is basic and polar, at codon 649 of the KCNH1 protein (p.Trp649Arg).